The following is an entry in ClinVar:

NM_021930.6(RINT1):c.1480A>G (p.Lys494Glu)

Gene: RINT1 (RAD50 interactor 1; plus strand). Cytogenetic location: 7q22.3.
Variant type: single nucleotide variant.
Coding change: c.1480A>G on transcript NM_021930.6 (MANE Select); coding-DNA position 1480, A replaced by G.
Protein change: p.Lys494Glu; replaces lysine 494 with glutamic acid.
Molecular consequence: missense variant.
Genome position (GRCh38, 1-based): chr7:105,555,036, A>G. VCF-style: chr7-105555036-A-G. GRCh37 (hg19) VCF-style: chr7-105195483-A-G.
Other names: c.1246A>G, p.Lys416Glu (NM_001346599.2); c.457A>G, p.Lys153Glu (NM_001346600.2, NM_001346603.2); c.556A>G, p.Lys186Glu (NM_001346601.2); short protein forms K186E, K153E, K416E, K494E.
Identifiers: ClinVar variation 3314470 (VCV003314470.1).

ClinVar aggregate classification (germline): Uncertain significance (1 of 4 stars; one submission).

Submission:

Ambry Genetics
Classification: Uncertain significance. Last evaluated: 2024-05-19. Review status: criteria provided, single submitter. Criteria: Ambry Variant Classification Scheme 2023. Collection method: clinical testing. Allele origin: germline.
Comment: The p.K494E variant (also known as c.1480A>G), located in coding exon 11 of the RINT1 gene, results from an A to G substitution at nucleotide position 1480. The lysine at codon 494 is replaced by glutamic acid, an amino acid with similar properties. This amino acid position is conserved. In addition, this alteration is predicted to be tolerated by in silico analysis. Based on the available evidence, the clinical significance of this variant remains unclear.